The following is an entry in ClinVar:

NM_003632.3(CNTNAP1):c.895A>T (p.Thr299Ser)

Gene: CNTNAP1 (contactin associated protein 1; plus strand). Cytogenetic location: 17q21.2.
Variant type: single nucleotide variant.
Coding change: c.895A>T on transcript NM_003632.3 (MANE Select); coding-DNA position 895, A replaced by T.
Protein change: p.Thr299Ser; replaces threonine 299 with serine.
Molecular consequence: missense variant.
Genome position (GRCh38, 1-based): chr17:42,686,136, A>T. VCF-style: chr17-42686136-A-T. GRCh37 (hg19) VCF-style: chr17-40838154-A-T.
Other names: short protein forms T299S.
Identifiers: ClinVar variation 2068137 (VCV002068137.5), dbSNP rs74967402, ClinGen allele CA8581634.

ClinVar aggregate classification (germline): Uncertain significance. Review status: criteria provided, multiple submitters, no conflicts (2 of 4 stars). 4 submissions from 4 submitters: Uncertain significance (4). Last evaluated 2025-03-31.

Conditions:
Inborn genetic diseases. Identifiers: MedGen C0950123, MeSH D030342.

Allele frequency attached by ClinVar (database versions not stated): gnomAD 0.00012; TOPMed 0.00016; ESP Exome Variant Server 0.00023; 1000 Genomes Project 0.00040; 1000 Genomes Project 30x 0.00047; ExAC 0.00021.
gnomAD v4.1: 378 of 1,614,174 alleles (0.023%); highest among the groups gnomAD compares: Admixed American, 0.052%; no homozygotes.

Submissions (4):

Ambry Genetics
Classification: Uncertain significance for Inborn genetic diseases. Last evaluated: 2025-03-31. Review status: criteria provided, single submitter. Criteria: Ambry Variant Classification Scheme 2023. Collection method: clinical testing. Allele origin: germline.

GeneDx
Classification: Uncertain significance. Last evaluated: 2024-12-02. Review status: criteria provided, single submitter. Criteria: GeneDx Variant Classification Process June 2021. Collection method: clinical testing. Allele origin: germline. Affected: yes.
Comment: In silico analysis indicates that this missense variant does not alter protein structure/function; Has not been previously published as pathogenic or benign to our knowledge

Labcorp Genetics (formerly Invitae), Labcorp
Classification: Uncertain significance. Last evaluated: 2022-07-19. Review status: criteria provided, single submitter. Criteria: Invitae Variant Classification Sherloc (09022015). Collection method: clinical testing. Allele origin: germline.
Comment: This sequence change replaces threonine, which is neutral and polar, with serine, which is neutral and polar, at codon 299 of the CNTNAP1 protein (p.Thr299Ser). This variant is present in population databases (rs74967402, gnomAD 0.06%). This variant has not been reported in the literature in individuals affected with CNTNAP1-related conditions. Algorithms developed to predict the effect of missense changes on protein structure and function (SIFT, PolyPhen-2, Align-GVGD) all suggest that this variant is likely to be tolerated. In summary, the available evidence is currently insufficient to determine the role of this variant in disease. Therefore, it has been classified as a Variant of Uncertain Significance.

Breakthrough Genomics
Classification: Uncertain significance. Review status: criteria provided, single submitter. Criteria: ACMG Guidelines, 2015. Collection method: not provided. Allele origin: germline. Inheritance: Autosomal recessive inheritance. Affected: yes.